The following is an entry in ClinVar:

NM_003718.5(CDK13):c.3285A>C (p.Leu1095=)

Gene: CDK13 (cyclin dependent kinase 13; plus strand). Cytogenetic location: 7p14.1.
Variant type: single nucleotide variant.
Coding change: c.3285A>C on transcript NM_003718.5 (MANE Select); coding-DNA position 3285, A replaced by C.
Protein change: p.Leu1095=; no amino-acid change (leucine 1095 retained).
Molecular consequence: synonymous variant. On other transcripts: intron variant (1).
Genome position (GRCh38, 1-based): chr7:40,092,834, A>C. VCF-style: chr7-40092834-A-C. GRCh37 (hg19) VCF-style: chr7-40132433-A-C.
Other names: c.3236-131A>C (NM_031267.3).
Identifiers: ClinVar variation 2134312 (VCV002134312.5), dbSNP rs780965454, ClinGen allele CA4228921.

ClinVar aggregate classification (germline): Likely benign. Review status: criteria provided, multiple submitters, no conflicts (2 of 4 stars). 2 submissions from 2 submitters: Likely benign (2). Last evaluated 2026-07-01.

gnomAD v4.1: 9 of 1,614,096 alleles (0.00056%); highest among the groups gnomAD compares: East Asian, 0.0067%; no homozygotes.

Submissions (2):

CeGaT Center for Human Genetics Tuebingen
Classification: Likely benign. Last evaluated: 2026-07-01. Review status: criteria provided, single submitter. Criteria: CeGaT Center For Human Genetics Tuebingen Variant Classification Criteria Version 2. Collection method: clinical testing. Allele origin: germline. Affected: yes. Observed: 1 variant allele.
Comment: CDK13: BP4, BP7

Labcorp Genetics (formerly Invitae), Labcorp
Classification: Likely benign. Last evaluated: 2024-10-21. Review status: criteria provided, single submitter. Criteria: Invitae Variant Classification Sherloc (09022015). Collection method: clinical testing. Allele origin: germline.